The following is an entry in ClinVar:

ClinVar aggregate classification (germline): Pathogenic (1 of 4 stars; one submission).

Conditions:
Arrhythmogenic right ventricular dysplasia 9 (ARVD9). Also called: Arrhythmogenic Right Ventricular Dysplasia/Cardiomyopathy 9; ARRHYTHMOGENIC RIGHT VENTRICULAR DYSPLASIA, FAMILIAL, 9. Identifiers: MedGen C1836906, MONDO:0012180, OMIM 609040.

Submission:

Labcorp Genetics (formerly Invitae), Labcorp
Classification: Pathogenic for Arrhythmogenic right ventricular dysplasia 9. Last evaluated: 2024-02-07. Review status: criteria provided, single submitter. Criteria: Invitae Variant Classification Sherloc (09022015). Collection method: clinical testing. Allele origin: germline.
Comment: This sequence change creates a premature translational stop signal (p.Thr723Leufs*22) in the PKP2 gene. It is expected to result in an absent or disrupted protein product. Loss-of-function variants in PKP2 are known to be pathogenic (PMID: 15489853, 17041889, 23911551). This variant is not present in population databases (gnomAD no frequency). This variant has not been reported in the literature in individuals affected with PKP2-related conditions. For these reasons, this variant has been classified as Pathogenic.

Literature cited by the submitters: PubMed 15489853; PubMed 17041889; PubMed 23911551.

NM_001005242.3(PKP2):c.2035_2038del (p.Thr679fs)

Gene: PKP2 (plakophilin 2; minus strand). Cytogenetic location: 12p11.21.
Variant type: Deletion.
Coding change: c.2035_2038del on transcript NM_001005242.3 (MANE Select); coding-DNA positions 2035 to 2038, 4 bases deleted (ACAG; older notation c.2035_2038delACAG).
Protein change: p.Thr679fs; shifts the reading frame from threonine 679.
Molecular consequence: frameshift variant.
Genome position (GRCh38, 1-based): chr12:32,802,532-32,802,535, CTGT deleted on the plus strand (ACAG on the coding strand, the reverse complement: PKP2 is on the minus strand); deleting any 4 consecutive bases within chr12:32,802,532-32,802,538 gives the same sequence; the c. name uses the placement nearest the transcript's 3' end. VCF-style (leftmost placement, unchanged base first): chr12-32802531-ACTGT-A. GRCh37 (hg19) VCF-style: chr12-32955465-ACTGT-A.
Other names: c.2035_2038del, p.Thr679fs (NM_001407155.1); c.1870_1873del, p.Thr624fs (NM_001407156.1); c.1708_1711del, p.Thr570fs (NM_001407158.1, NM_001407159.1, NM_001407160.1); c.2167_2170del, p.Thr723fs (NM_004572.4); short protein forms T723fs, T570fs, T624fs, T679fs.
Identifiers: ClinVar variation 3718956 (VCV003718956.3).